The following is an entry in ClinVar:

ClinVar aggregate classification (germline): Uncertain significance (1 of 4 stars; one submission).

Conditions:
Hypertrophic cardiomyopathy 19. Also called: Familial hypertrophic cardiomyopathy 19. Identifiers: MedGen CN077603, MONDO:0013476.

Allele frequency attached by ClinVar (database versions not stated): gnomAD exomes below 0.00001.
gnomAD v4.1: 1 of 1,613,828 alleles (0.000062%); highest among the groups gnomAD compares: African/African-American, 0.0013%; no homozygotes.

Submission:

Labcorp Genetics (formerly Invitae), Labcorp
Classification: Uncertain significance for Hypertrophic cardiomyopathy 19. Last evaluated: 2024-05-06. Review status: criteria provided, single submitter. Criteria: Invitae Variant Classification Sherloc (09022015). Collection method: clinical testing. Allele origin: germline.
Comment: This sequence change replaces alanine, which is neutral and non-polar, with aspartic acid, which is acidic and polar, at codon 348 of the CALR3 protein (p.Ala348Asp). This variant is not present in population databases (gnomAD no frequency). This variant has not been reported in the literature in individuals affected with CALR3-related conditions. ClinVar contains an entry for this variant (Variation ID: 2181550). Advanced modeling of protein sequence and biophysical properties (such as structural, functional, and spatial information, amino acid conservation, physicochemical variation, residue mobility, and thermodynamic stability) performed at Invitae indicates that this missense variant is not expected to disrupt CALR3 protein function with a negative predictive value of 80%. In summary, the available evidence is currently insufficient to determine the role of this variant in disease. Therefore, it has been classified as a Variant of Uncertain Significance.

NM_145046.5(CALR3):c.1043C>A (p.Ala348Asp)

Gene: CALR3 (calreticulin 3; minus strand). Cytogenetic location: 19p13.11.
Variant type: single nucleotide variant.
Coding change: c.1043C>A on transcript NM_145046.5 (MANE Select); coding-DNA position 1043, C replaced by A.
Protein change: p.Ala348Asp; replaces alanine 348 with aspartic acid.
Molecular consequence: missense variant.
Genome position (GRCh38, 1-based): chr19:16,479,243, G>T on the plus strand (C>A on the coding strand, the complement: CALR3 is on the minus strand). VCF-style: chr19-16479243-G-T. GRCh37 (hg19) VCF-style: chr19-16590054-G-T.
Other names: short protein forms A348D.
Identifiers: ClinVar variation 2181550 (VCV002181550.4), dbSNP rs2093376463, ClinGen allele CA404605263.